The following is an entry in ClinVar:

NM_000435.3(NOTCH3):c.6269del (p.Gly2090fs)

Gene: NOTCH3 (notch receptor 3; minus strand). Cytogenetic location: 19p13.12.
Variant type: Deletion.
Coding change: c.6269del on transcript NM_000435.3 (MANE Select); coding-DNA position 6269, one base deleted (G; older notation c.6269delG).
Protein change: p.Gly2090fs; shifts the reading frame from glycine 2090.
Molecular consequence: frameshift variant.
Genome position (GRCh38, 1-based): chr19:15,161,359, C deleted on the plus strand (G on the coding strand, the reverse complement: NOTCH3 is on the minus strand); the first of 3 consecutive C bases (chr19:15,161,359-15,161,361); deleting any one gives the same sequence. VCF-style (leftmost placement, unchanged base first): chr19-15161358-GC-G. GRCh37 (hg19) VCF-style: chr19-15272169-GC-G.
Other names: short protein forms G2090fs.
Identifiers: ClinVar variation 1313464 (VCV001313464.8), dbSNP rs1011713833, ClinGen allele CA305758356.

ClinVar aggregate classification (germline): Uncertain significance. Review status: criteria provided, multiple submitters, no conflicts (2 of 4 stars). 3 submissions from 3 submitters: Uncertain significance (3). Last evaluated 2024-11-22.

Submissions (3):

Blueprint Genetics
Classification: Uncertain significance. Last evaluated: 2024-11-22. Review status: criteria provided, single submitter. Criteria: ACMG Guidelines, 2015. Collection method: clinical testing. Allele origin: germline.

Labcorp Genetics (formerly Invitae), Labcorp
Classification: Uncertain significance. Last evaluated: 2021-11-12. Review status: criteria provided, single submitter. Criteria: Invitae Variant Classification Sherloc (09022015). Collection method: clinical testing. Allele origin: germline.
Comment: ClinVar contains an entry for this variant (Variation ID: 1313464). In summary, the available evidence is currently insufficient to determine the role of this variant in disease. Therefore, it has been classified as a Variant of Uncertain Significance. Experimental studies and prediction algorithms are not available or were not evaluated, and the functional significance of this variant is currently unknown. This variant has not been reported in the literature in individuals affected with NOTCH3-related conditions. The frequency data for this variant in the population databases is considered unreliable, as metrics indicate poor data quality at this position in the gnomAD database. This sequence change creates a premature translational stop signal (p.Gly2090Alafs*59) in the NOTCH3 gene. While this is not anticipated to result in nonsense mediated decay, it is expected to disrupt the last 232 amino acid(s) of the NOTCH3 protein.

GeneDx
Classification: Uncertain significance. Last evaluated: 2020-10-15. Review status: criteria provided, single submitter. Criteria: GeneDx Variant Classification Process June 2021. Collection method: clinical testing. Allele origin: germline. Affected: yes.
Comment: Frameshift variant predicted to result in protein truncation, as the last 232 amino acids are replaced with 58 different amino acids, and other loss-of-function variants have been reported downstream in the Human Gene Mutation Database (Stenson et al., 2014); Has not been previously published as pathogenic or benign to our knowledge